The following is an entry in ClinVar:

ClinVar aggregate classification (germline): Uncertain significance (1 of 4 stars; one submission).

Allele frequency attached by ClinVar (database versions not stated): TOPMed below 0.00001; gnomAD 0.00001.
gnomAD v4.1: 15 of 1,606,152 alleles (0.00093%); highest among the groups gnomAD compares: African/African-American, 0.0054%; no homozygotes.

Submission:

Labcorp Genetics (formerly Invitae), Labcorp
Classification: Uncertain significance. Last evaluated: 2023-12-04. Review status: criteria provided, single submitter. Criteria: Invitae Variant Classification Sherloc (09022015). Collection method: clinical testing. Allele origin: germline.
Comment: This sequence change falls in intron 59 of the HMCN1 gene. It does not directly change the encoded amino acid sequence of the HMCN1 protein. It affects a nucleotide within the consensus splice site. This variant is present in population databases (no rsID available, gnomAD 0.004%). This variant has not been reported in the literature in individuals affected with HMCN1-related conditions. ClinVar contains an entry for this variant (Variation ID: 1930636). Variants that disrupt the consensus splice site are a relatively common cause of aberrant splicing (PMID: 17576681, 9536098). Algorithms developed to predict the effect of sequence changes on RNA splicing suggest that this variant is not likely to affect RNA splicing. In summary, the available evidence is currently insufficient to determine the role of this variant in disease. Therefore, it has been classified as a Variant of Uncertain Significance.

Literature cited by the submitters: PubMed 17576681; PubMed 9536098.

NM_031935.3(HMCN1):c.9160+4C>T

Gene: HMCN1 (hemicentin 1; plus strand). Cytogenetic location: 1q31.1.
Variant type: single nucleotide variant.
Coding change: c.9160+4C>T on transcript NM_031935.3 (MANE Select); 4 bases into the intron after coding-DNA position 9160, C replaced by T.
Molecular consequence: intron variant.
Genome position (GRCh38, 1-based): chr1:186,087,334, C>T. VCF-style: chr1-186087334-C-T. GRCh37 (hg19) VCF-style: chr1-186056466-C-T.
Identifiers: ClinVar variation 1930636 (VCV001930636.5), dbSNP rs1386687033, ClinGen allele CA527681954.